The following is an entry in ClinVar:

ClinVar aggregate classification (germline): Uncertain significance. Review status: criteria provided, multiple submitters, no conflicts (2 of 4 stars). 2 submissions from 2 submitters: Uncertain significance (2). Last evaluated 2024-03-20.

Conditions:
Pityriasis rubra pilaris (PRP). Also called: Pityriasis rubra pilaris--familial type. Identifiers: Orphanet 2897, MedGen C0032027, MONDO:0100017, OMIM 173200, MONDO:0008251.
Psoriasis 2. Identifiers: MedGen C1864497, MONDO:0011269, OMIM 602723.

Allele frequency attached by ClinVar (database versions not stated): gnomAD exomes 0.00002 and 0.00004; TOPMed 0.00002; gnomAD 0.00003 and 0.00004; ExAC 0.00005.
gnomAD v4.1: 29 of 1,613,326 alleles (0.0018%); highest among the groups gnomAD compares: Middle Eastern, 0.017%; no homozygotes.

Submissions (2):

Labcorp Genetics (formerly Invitae), Labcorp
Classification: Uncertain significance for Pityriasis rubra pilaris; Psoriasis 2. Last evaluated: 2024-03-20. Review status: criteria provided, single submitter. Criteria: Invitae Variant Classification Sherloc (09022015). Collection method: clinical testing. Allele origin: germline.
Comment: This sequence change replaces proline, which is neutral and non-polar, with leucine, which is neutral and non-polar, at codon 534 of the CARD14 protein (p.Pro534Leu). This variant is present in population databases (rs754219698, gnomAD 0.006%). This variant has not been reported in the literature in individuals affected with CARD14-related conditions. ClinVar contains an entry for this variant (Variation ID: 1163112). Advanced modeling of protein sequence and biophysical properties (such as structural, functional, and spatial information, amino acid conservation, physicochemical variation, residue mobility, and thermodynamic stability) performed at Invitae indicates that this missense variant is not expected to disrupt CARD14 protein function with a negative predictive value of 80%. In summary, the available evidence is currently insufficient to determine the role of this variant in disease. Therefore, it has been classified as a Variant of Uncertain Significance.

Mayo Clinic Laboratories, Mayo Clinic
Classification: Uncertain significance. Last evaluated: 2020-10-20. Review status: criteria provided, single submitter. Criteria: ACMG Guidelines, 2015. Collection method: clinical testing. Allele origin: germline. Observed: 1 variant allele.

NM_001366385.1(CARD14):c.1601C>T (p.Pro534Leu)

Gene: CARD14 (caspase recruitment domain family member 14; plus strand). Cytogenetic location: 17q25.3.
Variant type: single nucleotide variant.
Coding change: c.1601C>T on transcript NM_001366385.1 (MANE Select); coding-DNA position 1601, C replaced by T.
Protein change: p.Pro534Leu; replaces proline 534 with leucine.
Molecular consequence: missense variant. On other transcripts: non-coding transcript variant (1).
Genome position (GRCh38, 1-based): chr17:80,198,105, C>T. VCF-style: chr17-80198105-C-T. GRCh37 (hg19) VCF-style: chr17-78171904-C-T.
Other names: c.1601C>T, p.Pro534Leu (NM_001257970.1, NM_024110.4); c.890C>T, p.Pro297Leu (NM_052819.3); short protein forms P297L, P534L.
Identifiers: ClinVar variation 1163112 (VCV001163112.8), dbSNP rs754219698, ClinGen allele CA8816896.